The following is an entry in ClinVar:

NM_017882.3(CLN6):c.486+1G>A

Gene: CLN6 (CLN6 transmembrane ER protein; minus strand). Cytogenetic location: 15q23.
Variant type: single nucleotide variant.
Coding change: c.486+1G>A on transcript NM_017882.3 (MANE Select); the canonical splice donor site of the intron after coding-DNA position 486, G replaced by A.
Molecular consequence: splice donor variant.
Genome position (GRCh38, 1-based): chr15:68,211,674, C>T on the plus strand (G>A on the coding strand, the complement: CLN6 is on the minus strand). VCF-style: chr15-68211674-C-T. GRCh37 (hg19) VCF-style: chr15-68504012-C-T.
Other names: c.582+1G>A (NM_001411068.1).
Identifiers: ClinVar variation 555430 (VCV000555430.16), dbSNP rs756522171, ClinGen allele CA7630602.

ClinVar aggregate classification (germline): Likely pathogenic. Review status: criteria provided, multiple submitters, no conflicts (2 of 4 stars). 6 submissions from 6 submitters: Likely pathogenic (4). 2 of the submissions do not count toward it. Last evaluated 2025-11-19.

Conditions:
Neuronal ceroid lipofuscinosis. Also called: Neuronal Ceroid Lipofuscinoses. Identifiers: Orphanet 216, Orphanet 79263, MedGen C0027877, MONDO:0016295. Disease mechanism: loss of function.
CLN6-related disorder. Also called: CLN6-related condition.
Ceroid lipofuscinosis, neuronal, 6A. Also called: CLN6-Related Neuronal Ceroid-Lipofuscinosis; Neuronal ceroid lipofuscinosis, late infantile, variant; Neuronal ceroid lipofuscinosis, Gypsy/Indian early juvenile variant; Neuronal ceroid lipofuscinosis 6. Identifiers: Orphanet 168491, Orphanet 228363, MedGen C5551375, MONDO:0011144, OMIM 601780.
Ceroid lipofuscinosis, neuronal, 6B (Kufs type). Also called: Neuronal ceroid lipofuscinosis 4A. Identifiers: Orphanet 700477, MedGen C5561927, MONDO:0008768, OMIM 204300.
Inborn genetic diseases. Identifiers: MedGen C0950123, MeSH D030342.

Allele frequency attached by ClinVar (database versions not stated): ExAC 0.00001; gnomAD exomes 0.00001 and 0.00008.
gnomAD v4.1: 107 of 1,613,432 alleles (0.0066%); highest among the groups gnomAD compares: Non-Finnish European, 0.0087%; no homozygotes.

Submissions (7):

Labcorp Genetics (formerly Invitae), Labcorp
Classification: Likely pathogenic for Neuronal ceroid lipofuscinosis. Last evaluated: 2025-11-19. Review status: criteria provided, single submitter. Criteria: Invitae Variant Classification Sherloc (09022015). Collection method: clinical testing. Allele origin: germline.
Comment: This sequence change affects a donor splice site in intron 4 of the CLN6 gene. It is expected to disrupt RNA splicing. Variants that disrupt the donor or acceptor splice site typically lead to a loss of protein function (PMID: 16199547), and loss-of-function variants in CLN6 are known to be pathogenic (PMID: 19135028). This variant is present in population databases (rs756522171, gnomAD 0.003%). Disruption of this splice site has been observed in individual(s) with clinical features of neuronal ceroid lipofuscinosis (PMID: 12673792, 30561534). ClinVar contains an entry for this variant (Variation ID: 555430). Algorithms developed to predict the effect of sequence changes on RNA splicing suggest that this variant may disrupt the consensus splice site. In summary, the currently available evidence indicates that the variant is pathogenic, but additional data are needed to prove that conclusively. Therefore, this variant has been classified as Likely Pathogenic.

Natera, Inc.
Classification: Likely pathogenic for Ceroid lipofuscinosis, neuronal, 6A. Last evaluated: 2024-12-27. Review status: criteria provided, single submitter. Criteria: Natera Variant Classification Schema (03/2026). Collection method: clinical testing. Allele origin: germline.
Comment: The c.486+1G>A variant in CLN6 is a canonical splice donor site variant predicted to affect pre-mRNA splicing, which may result in an abnormal transcript and altered protein product. This variant is expected to result in nonsense mediated decay, truncation, or a dysfunctional protein product. This variant is rare in the general population with a frequency below the threshold expected for the associated phenotype(s). This variant has been observed in one or more individuals affected with the associated recessive disease, as either homozygous or compound heterozygous with a second variant (PMID: 30561534). This variant has been observed to segregate in affected family members (PMID: 30561534). Given the available evidence, this variant is classified as Likely Pathogenic.

Fulgent Genetics
Classification: Likely pathogenic for Ceroid lipofuscinosis, neuronal, 6B (Kufs type); Ceroid lipofuscinosis, neuronal, 6A. Last evaluated: 2021-09-07. Review status: criteria provided, single submitter. Criteria: ACMG Guidelines, 2015. Collection method: clinical testing. Allele origin: unknown.

Ambry Genetics
Classification: Likely pathogenic for Inborn genetic diseases. Last evaluated: 2016-11-02. Review status: criteria provided, single submitter. Criteria: Ambry Variant Classification Scheme 2023. Collection method: clinical testing. Allele origin: germline.
Comment: The c.486+1G>A intronic variant results from a G to A substitution one nucleotide after coding exon 4 of the CLN6 gene. This variant was not reported in population based cohorts in the following databases: Database of Single Nucleotide Polymorphisms (dbSNP), NHLBI Exome Sequencing Project (ESP), and 1000 Genomes Project. In the ESP, this variant was not observed in 6498 samples (12996 alleles) with coverage at this position. This nucleotide position is highly conserved in available vertebrate species. Alterations that disrupt the canonical splice site are expected to cause aberrant splicing, resulting in an abnormal protein or a transcript that is subject to nonsense-mediated mRNA decay. As such, this alteration is classified as likely pathogenic.

PreventionGenetics, part of Exact Sciences
Classification: Pathogenic for CLN6-related condition. Last evaluated: 2024-08-06. Review status: no assertion criteria provided. Collection method: clinical testing. Allele origin: germline. Not counted in ClinVar's aggregate classification.
Comment: The CLN6 c.486+1G>A variant is predicted to disrupt the GT donor site and interfere with normal splicing. This variant was reported in the compound heterozygous state in siblings with teenage-onset Kufs disease (Berkovic et al 2019. PubMed ID: 30561534). This variant is reported in 0.0026% of alleles in individuals of European (Non-Finnish) descent in gnomAD. Variants that disrupt consensus splice donor sites in CLN6 are expected to be pathogenic. This variant is interpreted as pathogenic.

Counsyl
Classification: Likely pathogenic for Ceroid lipofuscinosis, neuronal, 6A. Last evaluated: 2017-12-05. Review status: no assertion criteria provided. Collection method: clinical testing. Allele origin: unknown. Not counted in ClinVar's aggregate classification.

Dr. Peter K. Rogan Lab, Western University
No classification provided (evidence only). Condition: Gastric cancer. Review status: no classification provided. Collection method: in vitro. Allele origin: not applicable. Functional consequence: retained intron. Not counted in ClinVar's aggregate classification.

Literature cited by the submitters: PubMed 16199547 (cited by Labcorp Genetics (formerly Invitae), Labcorp); PubMed 19135028 (cited by Labcorp Genetics (formerly Invitae), Labcorp); PubMed 12673792 (cited by Labcorp Genetics (formerly Invitae), Labcorp); PubMed 30561534 (cited by Labcorp Genetics (formerly Invitae), Labcorp and Natera, Inc.).